The following is an entry in ClinVar:

NM_024422.6(DSC2):c.753A>G (p.Thr251=)

Gene: DSC2 (desmocollin 2; minus strand). Cytogenetic location: 18q12.1.
Variant type: single nucleotide variant.
Coding change: c.753A>G on transcript NM_024422.6 (MANE Select); coding-DNA position 753, A replaced by G.
Protein change: p.Thr251=; no amino-acid change (threonine 251 retained).
Molecular consequence: synonymous variant.
Genome position (GRCh38, 1-based): chr18:31,087,691, T>C on the plus strand (A>G on the coding strand, the complement: DSC2 is on the minus strand). VCF-style: chr18-31087691-T-C. GRCh37 (hg19) VCF-style: chr18-28667654-T-C.
Other names: c.753A>G, p.Thr251= (NM_004949.5).
Identifiers: ClinVar variation 927635 (VCV000927635.3), dbSNP rs1987446637, ClinGen allele CA503389238.
Genomic context (GRCh38, chr18:31,087,691, plus strand): 5'-CAGTTAATTTGCCATATATTGTTTAAGGAGGTACTCACCCACTCTGCAATTTTCAAAAAT[T>C]GTAAAAGTATAAGTTTCTTCTGTAAAAATTGGGTAGTTATCATTTTCATCCTCTATTTTG-3'
Protein context (NP_077740.1, residues 241-261): PIFTEETYTF[Thr251=]IFENCRVGTT

ClinVar aggregate classification (germline): Likely benign. Review status: criteria provided, multiple submitters, no conflicts (2 of 4 stars). 2 submissions from 2 submitters: Likely benign (2). Last evaluated 2022-11-28.

Conditions:
Familial isolated arrhythmogenic right ventricular dysplasia. Identifiers: Orphanet 217656, MedGen C4274968, MONDO:0016342.
Cardiomyopathy (CMYO). Also called: Cardiomyopathies. Identifiers: Orphanet 167848, MedGen C0878544, MONDO:0004994, HP:0001638. Inheritance: Various modes of inheritance.

Allele frequency attached by ClinVar (database versions not stated): gnomAD exomes below 0.00001.
gnomAD v4.1: 1 of 1,613,120 alleles (0.000062%); highest among the groups gnomAD compares: Admixed American, 0.0017%; no homozygotes.

Submissions (2):

All of Us Research Program, National Institutes of Health
Classification: Likely benign for Familial isolated arrhythmogenic right ventricular dysplasia. Last evaluated: 2022-11-28. Review status: criteria provided, single submitter. Criteria: ACMG Guidelines, 2015. Collection method: clinical testing. Allele origin: germline. Inheritance: Autosomal dominant inheritance. Observed: 1 variant allele, 1 heterozygote.
Comment: This study involves interpretation of variants in research participants for the purpose of population health screening. Participant phenotype was not available at the time of variant classification. Additional details can be found in publication PMID: 35346344, PMCID: PMC8962531

Color Diagnostics, LLC DBA Color Health
Classification: Likely benign for Cardiomyopathy. Last evaluated: 2019-07-15. Review status: criteria provided, single submitter. Criteria: ACMG Guidelines, 2015. Collection method: clinical testing. Allele origin: germline.